The following is an entry in ClinVar:

NM_012469.4(PRPF6):c.1908+3G>A

Gene: PRPF6 (pre-mRNA processing factor 6; plus strand). Cytogenetic location: 20q13.33.
Variant type: single nucleotide variant.
Coding change: c.1908+3G>A on transcript NM_012469.4 (MANE Select); 3 bases into the intron after coding-DNA position 1908, G replaced by A.
Molecular consequence: intron variant.
Genome position (GRCh38, 1-based): chr20:64,024,696, G>A. VCF-style: chr20-64024696-G-A. GRCh37 (hg19) VCF-style: chr20-62656049-G-A.
Identifiers: ClinVar variation 1053645 (VCV001053645.7), dbSNP rs112666485, ClinGen allele CA2499225845.

ClinVar aggregate classification (germline): Uncertain significance (1 of 4 stars; one submission).

Submission:

Labcorp Genetics (formerly Invitae), Labcorp
Classification: Uncertain significance. Last evaluated: 2021-07-10. Review status: criteria provided, single submitter. Criteria: Invitae Variant Classification Sherloc (09022015). Collection method: clinical testing. Allele origin: germline.
Comment: This sequence change falls in intron 14 of the PRPF6 gene. It does not directly change the encoded amino acid sequence of the PRPF6 protein, but it affects a nucleotide within the consensus splice site of the intron. This variant is not present in population databases (ExAC no frequency). This variant has not been reported in the literature in individuals with PRPF6-related conditions. Nucleotide substitutions within the consensus splice site are a relatively common cause of aberrant splicing (PMID: 17576681, 9536098). Algorithms developed to predict the effect of sequence changes on RNA splicing suggest that this variant may create or strengthen a splice site, but this prediction has not been confirmed by published transcriptional studies. In summary, the available evidence is currently insufficient to determine the role of this variant in disease. Therefore, it has been classified as a Variant of Uncertain Significance.

Literature cited by the submitters: PubMed 17576681; PubMed 9536098.